The following is an entry in ClinVar:

NM_000371.4(TTR):c.122G>A (p.Arg41Gln)

Gene: TTR (transthyretin; plus strand). Cytogenetic location: 18q12.1.
Variant type: single nucleotide variant.
Coding change: c.122G>A on transcript NM_000371.4 (MANE Select); coding-DNA position 122, G replaced by A.
Protein change: p.Arg41Gln; replaces arginine 41 with glutamine.
Molecular consequence: missense variant.
Genome position (GRCh38, 1-based): chr18:31,592,948, G>A. VCF-style: chr18-31592948-G-A. GRCh37 (hg19) VCF-style: chr18-29172911-G-A.
Other names: short protein forms R41Q.
Identifiers: ClinVar variation 246463 (VCV000246463.16), dbSNP rs879254269, ClinGen allele CA10584599.

ClinVar aggregate classification (germline): Uncertain significance. Review status: criteria provided, multiple submitters, no conflicts (2 of 4 stars). 5 submissions from 4 submitters: Uncertain significance (5). Last evaluated 2025-12-05.

Conditions:
Amyloidosis, hereditary systemic 1 (AMYLD1). Also called: Familial amyloid polyneuropathy; AMYLOID CARDIOMYOPATHY; Isolated Cardiac Amyloidosis; Amyloid Cardiomyopathy, Transthyretin-related; Transthyretin Amyloidosis; Hereditary oculoleptomeningeal amyloid angiopathy. Identifiers: Orphanet 85447, Orphanet 85451, MedGen C2751492, MONDO:0971004, OMIM 105210.
Carpal tunnel syndrome (CTS). Identifiers: MedGen C0007286, MONDO:0007275.
Cardiovascular phenotype. Identifiers: MedGen CN230736.

Allele frequency attached by ClinVar (database versions not stated): gnomAD exomes below 0.00001 and 0.00001.
gnomAD v4.1: 11 of 1,614,066 alleles (0.00068%); highest among the groups gnomAD compares: South Asian, 0.0055%; no homozygotes.

Submissions (5):

Ambry Genetics
Classification: Uncertain significance for Cardiovascular phenotype. Last evaluated: 2025-12-05. Review status: criteria provided, single submitter. Criteria: Ambry Variant Classification Scheme 2023. Collection method: clinical testing. Allele origin: germline.
Comment: The p.R41Q variant (also known as c.122G>A), located in coding exon 2 of the TTR gene, results from a G to A substitution at nucleotide position 122. The arginine at codon 41 is replaced by glutamine, an amino acid with highly similar properties. This variant was reported in transthyretin (TTR) amyloidosis cohorts and individuals with hypertrophic cardiomyopathy (HCM); however, clinical details were limited in some cases (Lefaucheur JP et al. Clin Neurophysiol, 2018 Aug;129:1565-1569; Damy T et al. Eur Heart J, 2019 Apr;43:391-400; Dang J et al. Mayo Clin Proc, 2019 Jun;94:961-975; Lopes LR et al. Amyloid, 2019 Dec;26:243-247; Auer-Grumbach M et al. J Clin Med, 2020 Jul;9:[ePub ahead of print]; B&eacute;zard M et al. Eur J Heart Fail, 2021 Feb;23:264-274). Note, this variant is also referred to as p.R21Q in the literature. This amino acid position is not well conserved in available vertebrate species. In addition, this alteration is predicted to be tolerated by in silico analysis. Based on the available evidence, the clinical significance of this variant remains unclear.

Labcorp Genetics (formerly Invitae), Labcorp
Classification: Uncertain significance for Amyloidosis, hereditary systemic 1. Last evaluated: 2024-11-30. Review status: criteria provided, single submitter. Criteria: Invitae Variant Classification Sherloc (09022015). Collection method: clinical testing. Allele origin: germline.
Comment: This sequence change replaces arginine, which is basic and polar, with glutamine, which is neutral and polar, at codon 41 of the TTR protein (p.Arg41Gln). This variant is present in population databases (no rsID available, gnomAD 0.006%). This missense change has been observed in individual(s) with TTR-related conditions (PMID: 31554435, 32674397). ClinVar contains an entry for this variant (Variation ID: 246463). Invitae Evidence Modeling of protein sequence and biophysical properties (such as structural, functional, and spatial information, amino acid conservation, physicochemical variation, residue mobility, and thermodynamic stability) indicates that this missense variant is expected to disrupt TTR protein function with a positive predictive value of 80%. In summary, the available evidence is currently insufficient to determine the role of this variant in disease. Therefore, it has been classified as a Variant of Uncertain Significance.

Genomic Research Center, Shahid Beheshti University of Medical Sciences
Classification: Uncertain significance for Amyloidosis, hereditary systemic 1. Last evaluated: 2018-03-05. Review status: criteria provided, single submitter. Criteria: ACMG Guidelines, 2015. Collection method: clinical testing. Allele origin: inherited. Affected: yes. Observed: 1 variant allele.

Genomic Research Center, Shahid Beheshti University of Medical Sciences
Classification: Uncertain significance for Carpal tunnel syndrome. Last evaluated: 2018-03-05. Review status: criteria provided, single submitter. Criteria: ACMG Guidelines, 2015. Collection method: clinical testing. Allele origin: inherited. Affected: yes. Observed: 1 variant allele.

GeneDx
Classification: Uncertain significance. Last evaluated: 2016-03-01. Review status: criteria provided, single submitter. Criteria: GeneDx Variant Classification (06012015). Collection method: clinical testing. Allele origin: germline. Affected: yes.
Comment: The R41Q variant has not been published as a pathogenic variant, nor has it been reported as a benign variant to our knowledge. The R41Q variant was not observed in approximately 6,500 individuals of European and African American ancestry in the NHLBI Exome Sequencing Project, indicating it is not a common benign variant in these populations. The R41Q variant is a semi-conservative amino acid substitution, which may impact secondary protein structure as these residues differ in some properties. However, this substitution occurs at a position that is not conserved across species and where Q41 is the wild type in several species. Finally, in silico analysis predicts this variant likely does not alter the protein structure/function.Therefore, based on the currently available information, it is unclear whether this variant is pathogenic or rare benign.

Literature cited by the submitters: PubMed 29883834 (cited by Ambry Genetics); PubMed 30938420 (cited by Ambry Genetics); PubMed 31103217 (cited by Ambry Genetics); PubMed 31554435 (cited by Ambry Genetics and Labcorp Genetics (formerly Invitae), Labcorp); PubMed 32674397 (cited by Ambry Genetics and Labcorp Genetics (formerly Invitae), Labcorp); PubMed 33094885 (cited by Ambry Genetics).